The following is an entry in ClinVar:

NM_007194.4(CHEK2):c.1190T>C (p.Val397Ala)

Gene: CHEK2 (checkpoint kinase 2; minus strand). Cytogenetic location: 22q12.1.
Variant type: single nucleotide variant.
Coding change: c.1190T>C on transcript NM_007194.4 (MANE Select); coding-DNA position 1190, T replaced by C.
Protein change: p.Val397Ala; replaces valine 397 with alanine.
Molecular consequence: missense variant.
Genome position (GRCh38, 1-based): chr22:28,695,779, A>G on the plus strand (T>C on the coding strand, the complement: CHEK2 is on the minus strand). VCF-style: chr22-28695779-A-G. GRCh37 (hg19) VCF-style: chr22-29091767-A-G.
Other names: c.1319T>C, p.Val440Ala (NM_001005735.3); c.527T>C, p.Val176Ala (NM_001257387.3); c.989T>C, p.Val330Ala (NM_001349956.3); c.1103T>C, p.Val368Ala (NM_145862.3); short protein forms V176A, V368A, V440A, V397A, V330A.
Identifiers: ClinVar variation 818552 (VCV000818552.4), dbSNP rs1601722588, ClinGen allele CA411096793.
Genomic context (GRCh38, chr22:28,695,779, plus strand): 5'-AGAATAACTCCTAAACTCCAGCAGTCCACAGCACGGTTATACCCAGCAGTCCCAACAGAA[A>G]CAAGAACTTCAGGCGCCAAGTAGGTGGGGGTTCCACATAAGGTTCTCATGAGAGAGGTCT-3'
Protein context (NP_009125.1, residues 387-407): TPTYLAPEVL[Val397Ala]SVGTAGYNRA

ClinVar aggregate classification (germline): Uncertain significance (1 of 4 stars; one submission).

Conditions:
Hereditary cancer-predisposing syndrome. Also called: Tumor predisposition; Hereditary neoplastic syndrome; Neoplastic Syndromes, Hereditary; Hereditary Cancer Syndrome. Identifiers: Orphanet 140162, MedGen C0027672, MeSH D009386, MONDO:0015356.

Submission:

Ambry Genetics
Classification: Uncertain significance for Hereditary cancer-predisposing syndrome. Last evaluated: 2018-11-07. Review status: criteria provided, single submitter. Criteria: Ambry Variant Classification Scheme 2023. Collection method: clinical testing. Allele origin: germline.
Comment: The p.V397A variant (also known as c.1190T>C), located in coding exon 10 of the CHEK2 gene, results from a T to C substitution at nucleotide position 1190. The valine at codon 397 is replaced by alanine, an amino acid with similar properties. This amino acid position is poorly conserved in available vertebrate species. In addition, this alteration is predicted to be tolerated by in silico analysis. Since supporting evidence is limited at this time, the clinical significance of this alteration remains unclear.